The following is an entry in ClinVar:

NM_024426.6(WT1):c.973G>A (p.Ala325Thr)

Gene: WT1 (WT1 transcription factor; minus strand). Cytogenetic location: 11p13.
Variant type: single nucleotide variant.
Coding change: c.973G>A on transcript NM_024426.6 (MANE Select); coding-DNA position 973, G replaced by A.
Protein change: p.Ala325Thr; replaces alanine 325 with threonine.
Molecular consequence: missense variant. On other transcripts: non-coding transcript variant (1), intron variant (2).
Genome position (GRCh38, 1-based): chr11:32,416,533, C>T on the plus strand (G>A on the coding strand, the complement: WT1 is on the minus strand). VCF-style: chr11-32416533-C-T. GRCh37 (hg19) VCF-style: chr11-32438079-C-T.
Other names: c.322G>A, p.Ala108Thr (NM_001198551.2); c.973G>A, p.Ala325Thr (NM_001407044.1, NM_001407046.1, NM_024424.5); c.850G>A, p.Ala284Thr (NM_001407047.1); c.211G>A, p.Ala71Thr (NM_001407051.1); c.965+1044G>A (NM_000378.6); c.314+1044G>A (NM_001198552.2); short protein forms A108T, A325T, A71T, A284T, A320T.
Identifiers: ClinVar variation 878161 (VCV000878161.13), dbSNP rs1712081462, ClinGen allele CA379961874.

ClinVar aggregate classification (germline): Conflicting classifications of pathogenicity. Review status: criteria provided, conflicting classifications (1 of 4 stars). 7 submissions from 5 submitters: Uncertain significance (6); Likely benign (1). Last evaluated 2025-01-31.

Conditions:
Wilms tumor 1 (WT1). Also called: Wilms tumor, somatic. Identifiers: Orphanet 654, MedGen CN033288, MONDO:0008679, OMIM 194070.
11p partial monosomy syndrome (WAGR). Also called: WAGR syndrome; WAGR Complex; CHROMOSOME 11p13 DELETION SYNDROME; WAGR Spectrum Disorder. Identifiers: Orphanet 893, MedGen C0206115, MONDO:0008681, OMIM 194072.
Drash syndrome (DDS). Also called: NEPHROPATHY, WILMS TUMOR, AND GENITAL ANOMALIES; WILMS TUMOR AND PSEUDO- OR TRUE HERMAPHRODITISM. Identifiers: Orphanet 220, MedGen C0950121, MONDO:0008682, OMIM 194080.
Frasier syndrome. Identifiers: Orphanet 347, MedGen C0950122, MeSH D052159, MONDO:0007635, OMIM 136680.
Nephrotic syndrome, type 4 (NPHS4). Also called: Familial mesangial sclerosis; Nephrotic syndrome, early onset with diffuse mesangial sclerosis. Identifiers: Orphanet 656, MedGen C3151568, MONDO:0009733, OMIM 256370.
Inborn genetic diseases. Identifiers: MedGen C0950123, MeSH D030342.
Meacham syndrome. Also called: Meacham Winn Culler syndrome. Identifiers: Orphanet 3097, MedGen C1837026, MONDO:0012164, OMIM 608978.
Mesothelioma, malignant (MESOM). Also called: Malignant mesothelioma (disease). Identifiers: Orphanet 50251, MedGen C0345967, MONDO:0006292, OMIM 156240, HP:0100001.

Allele frequency attached by ClinVar (database versions not stated): gnomAD 0.00001.
gnomAD v4.1: 1 of 1,613,918 alleles (0.000062%); highest among the groups gnomAD compares: Admixed American, 0.0017%; no homozygotes.

Submissions (7):

Ambry Genetics
Classification: Likely benign for Inborn genetic diseases. Last evaluated: 2025-01-31. Review status: criteria provided, single submitter. Criteria: Ambry Variant Classification Scheme 2023. Collection method: clinical testing. Allele origin: germline.

Fulgent Genetics
Classification: Uncertain significance for Frasier syndrome; Mesothelioma, malignant; Wilms tumor 1; Drash syndrome; Nephrotic syndrome, type 4; Meacham syndrome. Last evaluated: 2024-05-14. Review status: criteria provided, single submitter. Criteria: ACMG Guidelines, 2015. Collection method: clinical testing. Allele origin: germline.

All of Us Research Program, National Institutes of Health
Classification: Uncertain significance for Wilms tumor 1. Last evaluated: 2023-06-26. Review status: criteria provided, single submitter. Criteria: ACMG Guidelines, 2015. Collection method: clinical testing. Allele origin: germline. Inheritance: Autosomal dominant inheritance. Observed: 1 variant allele, 1 heterozygote.
Comment: This missense variant replaces alanine with threonine at codon 320 of the WT1 protein. Computational prediction suggests that this variant may not impact protein structure and function (internally defined REVEL score threshold <= 0.5, PMID: 27666373). To our knowledge, functional studies have not been reported for this variant. This variant has not been reported in individuals affected with WT1-related disorders in the literature. This variant has not been identified in the general population by the Genome Aggregation Database (gnomAD). The available evidence is insufficient to determine the role of this variant in disease conclusively. Therefore, this variant is classified as a Variant of Uncertain Significance.

This study involves interpretation of variants in research participants for the purpose of population health screening. Participant phenotype was not available at the time of variant classification. Additional details can be found in publication PMID: 35346344, PMCID: PMC8962531

Labcorp Genetics (formerly Invitae), Labcorp
Classification: Uncertain significance for Wilms tumor 1; Drash syndrome; 11p partial monosomy syndrome; Frasier syndrome. Last evaluated: 2021-10-01. Review status: criteria provided, single submitter. Criteria: Invitae Variant Classification Sherloc (09022015). Collection method: clinical testing. Allele origin: germline.
Comment: This sequence change replaces alanine with threonine at codon 320 of the WT1 protein (p.Ala320Thr). The alanine residue is moderately conserved and there is a small physicochemical difference between alanine and threonine. In summary, the available evidence is currently insufficient to determine the role of this variant in disease. Therefore, it has been classified as a Variant of Uncertain Significance. Algorithms developed to predict the effect of missense changes on protein structure and function output the following: SIFT: "Deleterious"; PolyPhen-2: "Benign"; Align-GVGD: "Class C0". The threonine amino acid residue is found in multiple mammalian species, which suggests that this missense change does not adversely affect protein function. ClinVar contains an entry for this variant (Variation ID: 878161). This variant has not been reported in the literature in individuals affected with WT1-related conditions. This variant is not present in population databases (ExAC no frequency).

Illumina Laboratory Services, Illumina
Classification: Uncertain significance for Nephrotic syndrome, type 4. Last evaluated: 2018-01-13. Review status: criteria provided, single submitter. Criteria: ICSL Variant Classification Criteria 13 December 2019. Collection method: clinical testing. Allele origin: germline.

Illumina Laboratory Services, Illumina
Classification: Uncertain significance for Wilms tumor 1. Last evaluated: 2018-01-13. Review status: criteria provided, single submitter. Criteria: ICSL Variant Classification Criteria 13 December 2019. Collection method: clinical testing. Allele origin: germline.

Illumina Laboratory Services, Illumina
Classification: Uncertain significance for Meacham syndrome. Last evaluated: 2018-01-13. Review status: criteria provided, single submitter. Criteria: ICSL Variant Classification Criteria 13 December 2019. Collection method: clinical testing. Allele origin: germline.